The following is an entry in ClinVar:

NM_014780.5(CUL7):c.3097G>A (p.Glu1033Lys)

Gene: CUL7 (cullin 7; minus strand). Cytogenetic location: 6p21.1.
Variant type: single nucleotide variant.
Coding change: c.3097G>A on transcript NM_014780.5 (MANE Select); coding-DNA position 3097, G replaced by A.
Protein change: p.Glu1033Lys; replaces glutamic acid 1033 with lysine.
Molecular consequence: missense variant.
Genome position (GRCh38, 1-based): chr6:43,044,827, C>T on the plus strand (G>A on the coding strand, the complement: CUL7 is on the minus strand). VCF-style: chr6-43044827-C-T. GRCh37 (hg19) VCF-style: chr6-43012565-C-T.
Other names: c.3193G>A, p.Glu1065Lys (NM_001168370.2, NM_001374872.1); c.3097G>A, p.Glu1033Lys (NM_001374873.1, NM_001374874.1); short protein forms E1033K, E1065K.
Identifiers: ClinVar variation 597754 (VCV000597754.13), dbSNP rs543762437, ClinGen allele CA3813583.
Genomic context (GRCh38, chr6:43,044,827, plus strand): 5'-TCTGCACCACGGGGCTGACCAGGGCCTCCCAGCAGGTCTTGCCCAGAGCTTGGGCAGCCT[C>T]GTCATCAGGGAGGAAGCGGTCAGCAAAATTCTGCTCCTGGCGCAGAGCACCGTTGAGTCT-3'
Protein context (NP_055595.2, residues 1023-1043): NFADRFLPDD[Glu1033Lys]AAQALGKTCW

ClinVar aggregate classification (germline): Uncertain significance. Review status: criteria provided, multiple submitters, no conflicts (2 of 4 stars). 5 submissions from 5 submitters: Uncertain significance (4). 1 of the submissions does not count toward it. Last evaluated 2024-10-18.

Conditions:
CUL7-related disorder. Also called: CUL7-related condition.

Allele frequency attached by ClinVar (database versions not stated): gnomAD exomes 0.00006; ExAC 0.00007; 1000 Genomes Project 30x 0.00016; gnomAD 0.00019; 1000 Genomes Project 0.00020; TOPMed 0.00020.
gnomAD v4.1: 69 of 1,613,978 alleles (0.0043%); highest among the groups gnomAD compares: African/African-American, 0.069%; no homozygotes.

Submissions (5):

Blueprint Genetics
Classification: Uncertain significance. Last evaluated: 2024-10-18. Review status: criteria provided, single submitter. Criteria: ACMG Guidelines, 2015. Collection method: clinical testing. Allele origin: germline.

Labcorp Genetics (formerly Invitae), Labcorp
Classification: Uncertain significance. Last evaluated: 2024-04-10. Review status: criteria provided, single submitter. Criteria: Invitae Variant Classification Sherloc (09022015). Collection method: clinical testing. Allele origin: germline.
Comment: This sequence change replaces glutamic acid, which is acidic and polar, with lysine, which is basic and polar, at codon 1033 of the CUL7 protein (p.Glu1033Lys). This variant is present in population databases (rs543762437, gnomAD 0.06%). This variant has not been reported in the literature in individuals affected with CUL7-related conditions. ClinVar contains an entry for this variant (Variation ID: 597754). Advanced modeling of protein sequence and biophysical properties (such as structural, functional, and spatial information, amino acid conservation, physicochemical variation, residue mobility, and thermodynamic stability) performed at Invitae indicates that this missense variant is not expected to disrupt CUL7 protein function with a negative predictive value of 80%. In summary, the available evidence is currently insufficient to determine the role of this variant in disease. Therefore, it has been classified as a Variant of Uncertain Significance.

GeneDx
Classification: Uncertain significance. Last evaluated: 2019-05-20. Review status: criteria provided, single submitter. Criteria: GeneDx Variant Classification Process June 2021. Collection method: clinical testing. Allele origin: germline. Affected: yes.
Comment: In silico analysis, which includes protein predictors and evolutionary conservation, supports that this variant does not alter protein structure/function; Has not been previously published as pathogenic or benign to our knowledge

Eurofins Ntd Llc (ga)
Classification: Uncertain significance. Last evaluated: 2018-07-03. Review status: criteria provided, single submitter. Criteria: EGL ClinVar v180209 classification definitions. Collection method: clinical testing. Allele origin: germline. Observed: 1 variant allele, 1 heterozygote.

PreventionGenetics, part of Exact Sciences
Classification: Uncertain significance for CUL7-related condition. Last evaluated: 2024-09-03. Review status: no assertion criteria provided. Collection method: clinical testing. Allele origin: germline. Not counted in ClinVar's aggregate classification.
Comment: The CUL7 c.3097G>A variant is predicted to result in the amino acid substitution p.Glu1033Lys. To our knowledge, this variant has not been reported in the literature. This variant is reported in 0.064% of alleles in individuals of African descent in gnomAD. Although we suspect that this variant may be benign, at this time, the clinical significance of this variant is uncertain due to the absence of conclusive functional and genetic evidence.